The following is an entry in ClinVar:

NM_000059.4(BRCA2):c.3903T>C (p.Thr1301=)

Gene: BRCA2 (BRCA2 DNA repair associated; plus strand). Cytogenetic location: 13q13.1.
Variant type: single nucleotide variant.
Coding change: c.3903T>C on transcript NM_000059.4 (MANE Select); coding-DNA position 3903, T replaced by C.
Protein change: p.Thr1301=; no amino-acid change (threonine 1301 retained).
Molecular consequence: synonymous variant.
Genome position (GRCh38, 1-based): chr13:32,338,258, T>C. VCF-style: chr13-32338258-T-C. GRCh37 (hg19) VCF-style: chr13-32912395-T-C.
Identifiers: ClinVar variation 387847 (VCV000387847.23), dbSNP rs199786746, ClinGen allele CA16606784.

ClinVar aggregate classification (germline): Likely benign. Review status: criteria provided, multiple submitters, no conflicts (2 of 4 stars). 7 submissions from 7 submitters: Likely benign (7). Last evaluated 2025-06-22.

Conditions:
Hereditary cancer-predisposing syndrome. Also called: Neoplastic Syndromes, Hereditary; Hereditary neoplastic syndrome; Tumor predisposition; Hereditary Cancer Syndrome. Identifiers: Orphanet 140162, MedGen C0027672, MeSH D009386, MONDO:0015356.
Familial cancer of breast. Also called: BREAST CANCER, FAMILIAL; hereditary breast carcinoma; Hereditary breast cancer. Identifiers: Orphanet 227535, MedGen C0346153, MONDO:0016419, OMIM 114480. Disease mechanism: loss of function.
Breast-ovarian cancer, familial, susceptibility to, 2 (BROVCA2). Also called: BRCA2 Hereditary Breast and Ovarian Cancer. Identifiers: Orphanet 145, MedGen C2675520, MONDO:0012933, OMIM 612555. Disease mechanism: loss of function.
Hereditary breast ovarian cancer syndrome. Also called: Hereditary breast and ovarian cancer; Breast and ovarian cancer; BRCA1- and BRCA2-Associated Hereditary Breast and Ovarian Cancer; Hereditary breast and ovarian cancer syndrome (HBOC); Hereditary breast and/or ovarian cancer syndrome; Hereditary breast and ovarian cancer syndrome. Identifiers: Orphanet 145, MedGen C0677776, MeSH D061325, MONDO:0003582. Disease mechanism: loss of function.

Allele frequency attached by ClinVar (database versions not stated): gnomAD exomes 0.00001; TOPMed 0.00002.
gnomAD v4.1: 7 of 1,559,558 alleles (0.00045%); highest among the groups gnomAD compares: East Asian, 0.016%; no homozygotes.

Submissions (7):

Labcorp Genetics (formerly Invitae), Labcorp
Classification: Likely benign for Hereditary breast ovarian cancer syndrome. Last evaluated: 2025-06-22. Review status: criteria provided, single submitter. Criteria: Invitae Variant Classification Sherloc (09022015). Collection method: clinical testing. Allele origin: germline.

Quest Diagnostics Nichols Institute San Juan Capistrano
Classification: Likely benign. Last evaluated: 2025-02-28. Review status: criteria provided, single submitter. Criteria: Quest Diagnostics criteria. Collection method: clinical testing. Allele origin: unknown.

Department of Pathology and Laboratory Medicine, Sinai Health System
Classification: Likely benign for Familial cancer of breast; Breast-ovarian cancer, familial, susceptibility to, 2. Last evaluated: 2023-04-11. Review status: criteria provided, single submitter. Criteria: ACMG Guidelines, 2015. Collection method: clinical testing. Allele origin: germline. Affected: yes.

All of Us Research Program, National Institutes of Health
Classification: Likely benign for Breast-ovarian cancer, familial, susceptibility to, 2. Last evaluated: 2023-04-03. Review status: criteria provided, single submitter. Criteria: ACMG Guidelines, 2015. Collection method: clinical testing. Allele origin: germline. Inheritance: Autosomal dominant inheritance. Observed: 1 variant allele, 1 heterozygote.
Comment: This study involves interpretation of variants in research participants for the purpose of population health screening. Participant phenotype was not available at the time of variant classification. Additional details can be found in publication PMID: 35346344, PMCID: PMC8962531

Color Diagnostics, LLC DBA Color Health
Classification: Likely benign for Hereditary cancer-predisposing syndrome. Last evaluated: 2019-11-13. Review status: criteria provided, single submitter. Criteria: ACMG Guidelines, 2015. Collection method: clinical testing. Allele origin: germline.

Ambry Genetics
Classification: Likely benign for Hereditary cancer-predisposing syndrome. Last evaluated: 2018-01-22. Review status: criteria provided, single submitter. Criteria: Ambry Variant Classification Scheme 2023. Collection method: clinical testing. Allele origin: germline.

GeneDx
Classification: Likely benign. Last evaluated: 2016-07-12. Review status: criteria provided, single submitter. Criteria: GeneDx Variant Classification (06012015). Collection method: clinical testing. Allele origin: germline. Affected: yes.
Comment: This variant is considered likely benign or benign based on one or more of the following criteria: it is a conservative change, it occurs at a poorly conserved position in the protein, it is predicted to be benign by multiple in silico algorithms, and/or has population frequency not consistent with disease.

Literature cited by the submitters: PubMed 30287823 (cited by Quest Diagnostics Nichols Institute San Juan Capistrano and Department of Pathology and Laboratory Medicine, Sinai Health System); PubMed 32467295 (cited by Quest Diagnostics Nichols Institute San Juan Capistrano); PubMed 36243179 (cited by Quest Diagnostics Nichols Institute San Juan Capistrano).